The following is an entry in ClinVar:

ClinVar aggregate classification (germline): Pathogenic. Review status: criteria provided, multiple submitters, no conflicts (2 of 4 stars). 2 submissions from 2 submitters: Pathogenic (2). Last evaluated 2023-09-13.

Conditions:
Familial cancer of breast. Also called: Hereditary breast cancer; hereditary breast carcinoma; BREAST CANCER, FAMILIAL. Identifiers: Orphanet 227535, MedGen C0346153, MONDO:0016419, OMIM 114480. Disease mechanism: loss of function.

Submissions (2):

Myriad Genetics, Inc.
Classification: Pathogenic for Familial cancer of breast. Last evaluated: 2023-09-13. Review status: criteria provided, single submitter. Criteria: Myriad Autosomal Dominant, Autosomal Recessive and X-Linked Classification Criteria (2023). Collection method: clinical testing. Allele origin: unknown.
Comment: This variant is considered pathogenic. This variant creates a frameshift predicted to result in premature protein truncation.

Labcorp Genetics (formerly Invitae), Labcorp
Classification: Pathogenic for Familial cancer of breast. Last evaluated: 2018-11-06. Review status: criteria provided, single submitter. Criteria: Invitae Variant Classification Sherloc (09022015). Collection method: clinical testing. Allele origin: germline.
Comment: For these reasons, this variant has been classified as Pathogenic. Loss-of-function variants in PALB2 are known to be pathogenic (PMID: 17200668, 24136930, 25099575). This variant has not been reported in the literature in individuals with PALB2-related disease. This variant is not present in population databases (ExAC no frequency). This sequence change creates a premature translational stop signal (p.Val925Cysfs*10) in the PALB2 gene. It is expected to result in an absent or disrupted protein product.

Literature cited by the submitters: PubMed 17200668 (cited by Labcorp Genetics (formerly Invitae), Labcorp); PubMed 24136930 (cited by Labcorp Genetics (formerly Invitae), Labcorp); PubMed 25099575 (cited by Labcorp Genetics (formerly Invitae), Labcorp).

NM_024675.4(PALB2):c.2773del (p.Val925fs)

Gene: PALB2 (partner and localizer of BRCA2; minus strand). Cytogenetic location: 16p12.2.
Variant type: Deletion.
Coding change: c.2773del on transcript NM_024675.4 (MANE Select); coding-DNA position 2773, one base deleted (G; older notation c.2773delG).
Protein change: p.Val925fs; shifts the reading frame from valine 925.
Molecular consequence: frameshift variant.
Genome position (GRCh38, 1-based): chr16:23,624,070, C deleted on the plus strand (G on the coding strand, the reverse complement: PALB2 is on the minus strand). VCF-style (leftmost placement, unchanged base first): chr16-23624069-AC-A. GRCh37 (hg19) VCF-style: chr16-23635390-AC-A.
Other names: c.2773delG (NM_024675.3); short protein forms V925fs.
Identifiers: ClinVar variation 655544 (VCV000655544.8), dbSNP rs1597082860, ClinGen allele CA915949174.